The following is an entry in ClinVar:

ClinVar aggregate classification (germline): Conflicting classifications of pathogenicity. Review status: criteria provided, conflicting classifications (1 of 4 stars). 3 submissions from 3 submitters: Uncertain significance (1); Likely benign (2). Last evaluated 2023-12-13.

Conditions:
Hereditary cancer-predisposing syndrome. Also called: Hereditary Cancer Syndrome; Hereditary neoplastic syndrome; Neoplastic Syndromes, Hereditary; Tumor predisposition. Identifiers: Orphanet 140162, MedGen C0027672, MeSH D009386, MONDO:0015356.
Breast-ovarian cancer, familial, susceptibility to, 1 (BROVCA1). Also called: OVARIAN CANCER, SUSCEPTIBILITY TO; BRCA1 Hereditary Breast and Ovarian Cancer. Identifiers: Orphanet 145, MedGen C2676676, MONDO:0011450, OMIM 604370. Disease mechanism: loss of function.

Submissions (3):

All of Us Research Program, National Institutes of Health
Classification: Likely benign for Breast-ovarian cancer, familial, susceptibility to, 1. Last evaluated: 2023-12-13. Review status: criteria provided, single submitter. Criteria: ACMG Guidelines, 2015. Collection method: clinical testing. Allele origin: germline. Inheritance: Autosomal dominant inheritance. Observed: 1 variant allele, 1 heterozygote.
Comment: This study involves interpretation of variants in research participants for the purpose of population health screening. Participant phenotype was not available at the time of variant classification. Additional details can be found in publication PMID: 35346344, PMCID: PMC8962531

University of Washington Department of Laboratory Medicine, University of Washington
Classification: Likely benign for Hereditary cancer-predisposing syndrome. Last evaluated: 2023-03-23. Review status: criteria provided, single submitter. Criteria: Dines et al. (Genet Med. 2020). Collection method: curation. Allele origin: germline.
Comment: Missense variant in a coldspot region where missense variants are very unlikely to be pathogenic (PMID:31911673).

BRCA1 coldspot (exon 11 using historical exon numbering). Reclassification based on statistical prior probability

Ambry Genetics
Classification: Uncertain significance for Hereditary cancer-predisposing syndrome. Last evaluated: 2019-01-25. Review status: criteria provided, single submitter. Criteria: Ambry Variant Classification Scheme 2023. Collection method: clinical testing. Allele origin: germline.
Comment: The p.M1008I variant (also known as c.3024G>T), located in coding exon 9 of the BRCA1 gene, results from a G to T substitution at nucleotide position 3024. The methionine at codon 1008 is replaced by isoleucine, an amino acid with highly similar properties. This amino acid position is poorly conserved in available vertebrate species. In addition, this alteration is predicted to be tolerated by in silico analysis. Since supporting evidence is limited at this time, the clinical significance of this alteration remains unclear.

NM_007294.4(BRCA1):c.3024G>T (p.Met1008Ile)

Gene: BRCA1 (BRCA1 DNA repair associated; minus strand). Cytogenetic location: 17q21.31.
Variant type: single nucleotide variant.
Coding change: c.3024G>T on transcript NM_007294.4 (MANE Select); coding-DNA position 3024, G replaced by T.
Protein change: p.Met1008Ile; replaces methionine 1008 with isoleucine.
Molecular consequence: missense variant. On other transcripts: intron variant (137).
Genome position (GRCh38, 1-based): chr17:43,092,507, C>A on the plus strand (G>T on the coding strand, the complement: BRCA1 is on the minus strand). VCF-style: chr17-43092507-C-A. GRCh37 (hg19) VCF-style: chr17-41244524-C-A.
Other names: c.2811G>T, p.Met937Ile (NM_001407571.1, NM_001407853.1, NM_001407894.1 and 9 more transcripts); c.3024G>T, p.Met1008Ile (NM_001407581.1, NM_001407582.1, NM_001407583.1 and 30 more transcripts); c.3021G>T, p.Met1007Ile (NM_001407587.1, NM_001407590.1, NM_001407591.1 and 22 more transcripts); c.3015G>T, p.Met1005Ile (NM_001407646.1, NM_001407647.1); c.2901G>T, p.Met967Ile (NM_001407648.1, NM_001407664.1, NM_001407665.1 and 19 more transcripts); c.2898G>T, p.Met966Ile (NM_001407649.1, NM_001407685.1, NM_001407686.1 and 11 more transcripts); c.2946G>T, p.Met982Ile (NM_001407653.1, NM_001407654.1, NM_001407655.1 and 4 more transcripts); c.2943G>T, p.Met981Ile (NM_001407659.1, NM_001407660.1, NM_001407661.1 and 1 more transcripts); and 41 more; short protein forms M1008I, M961I, M880I, M937I, M966I, M967I, M1005I, M940I.
Identifiers: ClinVar variation 822631 (VCV000822631.8), dbSNP rs1800704, ClinGen allele CA10595944.
Genomic context (GRCh38, chr17:43,092,507, plus strand): 5'-ACGGCTAATTGTGCTCACTGTACTTGGAATGTTCTCATTTCCCATTTCTCTTTCAGGTGA[C>A]ATTGAATGTTCCTCAAAGTTTTCCTCTAGCAGATTTTTCTTACATTTAGTTTTAACAAAT-3'
Protein context (NP_009225.1, residues 998-1018): LLEENFEEHS[Met1008Ile]SPEREMGNEN